The following is an entry in ClinVar:

NC_000016.10:g.780551A>G

Variant type: single nucleotide variant.
Genome position: GRCh38 VCF-style: chr16-780551-A-G. GRCh37 (hg19) VCF-style: chr16-830551-A-G.
Identifiers: ClinVar variation 2645858 (VCV002645858.23), dbSNP rs369521134, ClinGen allele CA7793240.
Genomic context (GRCh38, chr16:780,551, plus strand): 5'-GGCACGCATGTGTAGGTGACAGTGTGCACATGTAGGTGACAGTGTGCACGGGTAGGTGAC[A>G]GTGTGCACGGGTATACAGCACAGGCATGAGACTGTGGATGCGTGCAGGCACGCATGTGTA-3'

ClinVar aggregate classification (germline): Likely benign (1 of 4 stars; one submission).

Submission:

CeGaT Center for Human Genetics Tuebingen
Classification: Likely benign. Last evaluated: 2026-09-01. Review status: criteria provided, single submitter. Criteria: CeGaT Center For Human Genetics Tuebingen Variant Classification Criteria Version 2. Collection method: clinical testing. Allele origin: germline. Affected: yes. Observed: 17 variant alleles.
Comment: MSLNL: BP4, BP7